The following is an entry in ClinVar:

GRCh37/hg19 3q29(chr3:195703615-197348575)x1

Genes: DLG1 (discs large MAGUK scaffold protein 1; minus strand), DYNLT2B (dynein light chain Tctex-type 2B; minus strand), ZDHHC19 (zDHHC palmitoyltransferase 19; minus strand), FBXO45 (F-box protein 45; plus strand), WDR53 (WD repeat domain 53; minus strand) and 16 more. Cytogenetic location: 3q29.
Variant type: copy number loss.
Change: copy number 1 (one copy instead of two) of chr3:195,703,615-197,348,575 (1.64 Mb, GRCh37 coordinates, 1-based), cytogenetic band 3q29.
Identifiers: ClinVar variation 562864 (VCV000562864.6).

ClinVar aggregate classification (germline): Pathogenic (1 of 4 stars; one submission).

Submission:

Quest Diagnostics Nichols Institute San Juan Capistrano
Classification: Pathogenic. Last evaluated: 2025-01-13. Review status: criteria provided, single submitter. Criteria: ACMG/ClinGen CNV Guidelines, 2019. Collection method: clinical testing. Allele origin: unknown.
Comment: This copy number loss is consistent with the chromosome 3q29 microdeletion syndromic region (OMIM 609425). The clinical phenotype of this syndrome is variable (Russo 2021, Cox 2015, Willatt 2005, Ballif 2008, Digilio 2009, Li 2009). Parental studies have shown the majority of 3q29 deletions occurred de novo, however inheritance from affected parents has also been reported. This CNV is thus classified as pathogenic. References: Russo et al., Genet Med. 2021 May;23(5):872-880. PMID: 33564151; Cox et al, Clin Dysmorphol. 2015 Jul;24(3):89-94. PMID: 25714563; Willatt, et al., Am J Hum Genet. 2005 Jul;77(1):154-60, PMID: 15918153; Ballif, et al., Mol Cytogenet. 2008 Apr 28;1:8, PMID: 18471269; Digilio et al., Am J Med Genet 2009, 149A:1777-1781, PMID: 19610115 ; Li et al., Eur J Med Genet 2009, 52:349-353, PMID:19460468